The following is an entry in ClinVar:

ClinVar aggregate classification (germline): Benign. Review status: criteria provided, multiple submitters, no conflicts (2 of 4 stars). 10 submissions from 9 submitters: Benign (8). 2 of the submissions do not count toward it. Last evaluated 2026-02-03.

Conditions:
Ullrich congenital muscular dystrophy 1A. Also called: Ullrich congenital muscular dystrophy 1; Intermediate COL6-RD. Identifiers: Orphanet 75840, MedGen C0410179, MONDO:0009681, OMIM 254090.
Collagen 6-related myopathy. Identifiers: MedGen CN117976, MONDO:0100225.
Bethlem myopathy 1A. Also called: Bethlem myopathy 1; Bethlem Muscular Dystrophy; MYOPATHY, BENIGN CONGENITAL, WITH CONTRACTURES. Identifiers: Orphanet 610, MedGen CN029274, MONDO:0024530, OMIM 158810.

Allele frequency attached by ClinVar (database versions not stated): gnomAD 0.17795; 1000 Genomes Project 0.09405; ExAC 0.18246; gnomAD exomes 0.18276; TOPMed 0.16122; 1000 Genomes Project 30x 0.09588; ESP Exome Variant Server 0.17899.

Submissions (10):

Labcorp Genetics (formerly Invitae), Labcorp
Classification: Benign for Bethlem myopathy 1A. Last evaluated: 2026-02-03. Review status: criteria provided, single submitter. Criteria: Invitae Variant Classification Sherloc (09022015). Collection method: clinical testing. Allele origin: germline.

Genome-Nilou Lab
Classification: Benign for Bethlem myopathy 1A. Last evaluated: 2021-07-30. Review status: criteria provided, single submitter. Criteria: ACMG Guidelines, 2015. Collection method: clinical testing. Allele origin: germline. Affected: no.

Genome-Nilou Lab
Classification: Benign for Ullrich congenital muscular dystrophy 1A. Last evaluated: 2021-07-30. Review status: criteria provided, single submitter. Criteria: ACMG Guidelines, 2015. Collection method: clinical testing. Allele origin: germline. Affected: no.

Illumina Laboratory Services, Illumina
Classification: Benign for Collagen VI-related myopathy. Last evaluated: 2018-01-13. Review status: criteria provided, single submitter. Criteria: ICSL Variant Classification Criteria 13 December 2019. Collection method: clinical testing. Allele origin: germline.
Comment: This variant was observed in the ICSL laboratory as part of a predisposition screen in an ostensibly healthy population. It had not been previously curated by ICSL or reported in the Human Gene Mutation Database (HGMD: prior to June 1st, 2018), and was therefore a candidate for classification through an automated scoring system. Utilizing variant allele frequency, disease prevalence and penetrance estimates, and inheritance mode, an automated score was calculated to assess if this variant is too frequent to cause the disease. Based on the score and internal cut-off values, a variant classified as benign is not then subjected to further curation. The score for this variant resulted in a classification of benign for this disease.

GeneDx
Classification: Benign. Last evaluated: 2016-01-05. Review status: criteria provided, single submitter. Criteria: GeneDx Variant Classification (06012015). Collection method: clinical testing. Allele origin: germline. Affected: yes.
Comment: This variant is considered likely benign or benign based on one or more of the following criteria: it is a conservative change, it occurs at a poorly conserved position in the protein, it is predicted to be benign by multiple in silico algorithms, and/or has population frequency not consistent with disease.

Eurofins Ntd Llc (ga)
Classification: Benign. Last evaluated: 2012-07-09. Review status: criteria provided, single submitter. Criteria: EGL Classification Definitions 2015. Collection method: clinical testing. Allele origin: germline. Observed: 57 variant alleles, 47 heterozygotes, 10 homozygotes.

Breakthrough Genomics
Classification: Benign. Review status: criteria provided, single submitter. Criteria: ACMG Guidelines, 2015. Collection method: not provided. Allele origin: germline. Inheritance: Autosomal recessive inheritance. Affected: yes.

PreventionGenetics, part of Exact Sciences
Classification: Benign. Review status: criteria provided, single submitter. Criteria: ACMG Guidelines, 2015. Collection method: clinical testing. Allele origin: germline.

Clinical Genetics, Academic Medical Center
Classification: Benign. Review status: no assertion criteria provided. Collection method: clinical testing. Allele origin: germline. Affected: yes. Study: VKGL Data-share Consensus. Not counted in ClinVar's aggregate classification.

Genome Diagnostics Laboratory, University Medical Center Utrecht
Classification: Benign. Review status: no assertion criteria provided. Collection method: clinical testing. Allele origin: germline. Affected: yes. Study: VKGL Data-share Consensus. Not counted in ClinVar's aggregate classification.

NM_001848.3(COL6A1):c.903+14C>A

Gene: COL6A1 (collagen type VI alpha 1 chain; plus strand). Cytogenetic location: 21q22.3.
Variant type: single nucleotide variant.
Coding change: c.903+14C>A on transcript NM_001848.3 (MANE Select); 14 bases into the intron after coding-DNA position 903, C replaced by A.
Molecular consequence: intron variant.
Genome position (GRCh38, 1-based): chr21:45,989,666, C>A. VCF-style: chr21-45989666-C-A. GRCh37 (hg19) VCF-style: chr21-47409580-C-A.
Identifiers: ClinVar variation 93897 (VCV000093897.22), dbSNP rs34495634, ClinGen allele CA147421.